The following is an entry in ClinVar:

NM_000094.4(COL7A1):c.5549C>G (p.Pro1850Arg)

Gene: COL7A1 (collagen type VII alpha 1 chain; minus strand). Cytogenetic location: 3p21.31.
Variant type: single nucleotide variant.
Coding change: c.5549C>G on transcript NM_000094.4 (MANE Select); coding-DNA position 5549, C replaced by G.
Protein change: p.Pro1850Arg; replaces proline 1850 with arginine.
Molecular consequence: missense variant.
Genome position (GRCh38, 1-based): chr3:48,577,011, G>C on the plus strand (C>G on the coding strand, the complement: COL7A1 is on the minus strand). VCF-style: chr3-48577011-G-C. GRCh37 (hg19) VCF-style: chr3-48614444-G-C.
Other names: short protein forms P1850R.
Identifiers: ClinVar variation 4750319 (VCV004750319.1).

ClinVar aggregate classification (germline): Uncertain significance (1 of 4 stars; one submission).

Submission:

Labcorp Genetics (formerly Invitae), Labcorp
Classification: Uncertain significance. Last evaluated: 2025-07-10. Review status: criteria provided, single submitter. Criteria: Invitae Variant Classification Sherloc (09022015). Collection method: clinical testing. Allele origin: germline.
Comment: This sequence change replaces proline, which is neutral and non-polar, with arginine, which is basic and polar, at codon 1850 of the COL7A1 protein (p.Pro1850Arg). This variant is not present in population databases (gnomAD no frequency). This variant has not been reported in the literature in individuals affected with COL7A1-related conditions. Invitae Evidence Modeling of protein sequence and biophysical properties (such as structural, functional, and spatial information, amino acid conservation, physicochemical variation, residue mobility, and thermodynamic stability) has been performed for this missense variant. However, the output from this modeling did not meet the statistical confidence thresholds required to predict the impact of this variant on COL7A1 protein function. In summary, the available evidence is currently insufficient to determine the role of this variant in disease. Therefore, it has been classified as a Variant of Uncertain Significance.